The following is an entry in ClinVar:

NM_006690.4(MMP24):c.65A>T (p.Gln22Leu)

Genes: MMP24 (matrix metallopeptidase 24; plus strand), MMP24-AS1-EDEM2 (MMP24-AS1-EDEM2 readthrough; minus strand). Cytogenetic location: 20q11.22.
Variant type: single nucleotide variant.
Coding change: c.65A>T on transcript NM_006690.4 (MANE Select); coding-DNA position 65, A replaced by T.
Protein change: p.Gln22Leu; replaces glutamine 22 with leucine.
Molecular consequence: missense variant. On other transcripts: intron variant (1).
Genome position (GRCh38, 1-based): chr20:35,226,803, A>T. VCF-style: chr20-35226803-A-T. GRCh37 (hg19) VCF-style: chr20-33814606-A-T.
Other names: c.-351-8742T>A (NM_001355008.2); short protein forms Q22L.
Identifiers: ClinVar variation 2513816 (VCV002513816.2), dbSNP rs1297212749, ClinGen allele CA408706584.

ClinVar aggregate classification (germline): Uncertain significance (1 of 4 stars; one submission).

Submission:

Ambry Genetics
Classification: Uncertain significance. Last evaluated: 2023-04-07. Review status: criteria provided, single submitter. Criteria: Ambry Variant Classification Scheme 2023. Collection method: clinical testing. Allele origin: germline.
Comment: The c.65A>T (p.Q22L) alteration is located in exon (coding exon ) of the MMP24 gene. This alteration results from a A to T substitution at nucleotide position 65, causing the glutamine (Q) at amino acid position 22 to be replaced by a leucine (L). Based on insufficient or conflicting evidence, the clinical significance of this alteration remains unclear.